The following is an entry in ClinVar:

ClinVar aggregate classification (germline): Uncertain significance (1 of 4 stars; one submission).

Submission:

Ambry Genetics
Classification: Uncertain significance. Last evaluated: 2024-11-10. Review status: criteria provided, single submitter. Criteria: Ambry Variant Classification Scheme 2023. Collection method: clinical testing. Allele origin: germline.
Comment: The p.C1371G variant (also known as c.4111T>G), located in coding exon 16 of the POLQ gene, results from a T to G substitution at nucleotide position 4111. The cysteine at codon 1371 is replaced by glycine, an amino acid with highly dissimilar properties. This amino acid position is conserved. In addition, this alteration is predicted to be tolerated by in silico analysis. Since supporting evidence is limited at this time, the clinical significance of this alteration remains unclear.

NM_199420.4(POLQ):c.4111T>G (p.Cys1371Gly)

Gene: POLQ (DNA polymerase theta; minus strand). Cytogenetic location: 3q13.33.
Variant type: single nucleotide variant.
Coding change: c.4111T>G on transcript NM_199420.4 (MANE Select); coding-DNA position 4111, T replaced by G.
Protein change: p.Cys1371Gly; replaces cysteine 1371 with glycine.
Molecular consequence: missense variant.
Genome position (GRCh38, 1-based): chr3:121,488,820, A>C on the plus strand (T>G on the coding strand, the complement: POLQ is on the minus strand). VCF-style: chr3-121488820-A-C. GRCh37 (hg19) VCF-style: chr3-121207667-A-C.
Other names: short protein forms C1371G.
Identifiers: ClinVar variation 1737935 (VCV001737935.3), dbSNP rs2546786326, ClinGen allele CA354096115.